The following is an entry in ClinVar:

NM_005909.5(MAP1B):c.5013A>G (p.Thr1671=)

Gene: MAP1B (microtubule associated protein 1B; plus strand). Cytogenetic location: 5q13.2.
Variant type: single nucleotide variant.
Coding change: c.5013A>G on transcript NM_005909.5 (MANE Select); coding-DNA position 5013, A replaced by G.
Protein change: p.Thr1671=; no amino-acid change (threonine 1671 retained).
Molecular consequence: synonymous variant.
Genome position (GRCh38, 1-based): chr5:72,198,368, A>G. VCF-style: chr5-72198368-A-G. GRCh37 (hg19) VCF-style: chr5-71494195-A-G.
Other names: c.4635A>G, p.Thr1545= (NM_001324255.2).
Identifiers: ClinVar variation 4534651 (VCV004534651.6).

ClinVar aggregate classification (germline): Likely benign (1 of 4 stars; one submission).

Submission:

CeGaT Center for Human Genetics Tuebingen
Classification: Likely benign. Last evaluated: 2025-10-01. Review status: criteria provided, single submitter. Criteria: CeGaT Center For Human Genetics Tuebingen Variant Classification Criteria Version 2. Collection method: clinical testing. Allele origin: germline. Affected: yes. Observed: 1 variant allele.
Comment: MAP1B: BP4, BP7